The following is an entry in ClinVar:

NM_000057.4(BLM):c.1088-12A>G

Gene: BLM (BLM RecQ like helicase; plus strand). Cytogenetic location: 15q26.1.
Variant type: single nucleotide variant.
Coding change: c.1088-12A>G on transcript NM_000057.4 (MANE Select); 12 bases into the intron before coding-DNA position 1088, A replaced by G.
Molecular consequence: intron variant. On other transcripts: 5 prime UTR variant (1).
Genome position (GRCh38, 1-based): chr15:90,760,135, A>G. VCF-style: chr15-90760135-A-G. GRCh37 (hg19) VCF-style: chr15-91303365-A-G.
Other names: c.-50A>G (NM_001287248.2); c.1088-12A>G (NM_001287246.2, NM_001287247.2).
Identifiers: ClinVar variation 3621217 (VCV003621217.1).
Genomic context (GRCh38, chr15:90,760,135, plus strand): 5'-GCCACCATGCCTAGCCAAGACTTTTTTTTTTTTCCCTCAAAGAAAAATATTAACAACATA[A>G]TTATTTTATAGCTAGACAGATAAGTTTACAGCAGCAGCTTATTCATGTGATGGAGCACAT-3'

ClinVar aggregate classification (germline): Uncertain significance (1 of 4 stars; one submission).

Conditions:
Bloom syndrome (BLM). Also called: Bloom-Torre-Machacek syndrome. Identifiers: Orphanet 125, MedGen C0005859, MONDO:0008876, OMIM 210900.

gnomAD v4.1: 3 of 1,608,788 alleles (0.00019%); highest among the groups gnomAD compares: Admixed American, 0.005%; no homozygotes.

Submission:

Labcorp Genetics (formerly Invitae), Labcorp
Classification: Uncertain significance for Bloom syndrome. Last evaluated: 2024-12-24. Review status: criteria provided, single submitter. Criteria: Invitae Variant Classification Sherloc (09022015). Collection method: clinical testing. Allele origin: germline.
Comment: This sequence change falls in intron 5 of the BLM gene. It does not directly change the encoded amino acid sequence of the BLM protein. This variant is present in population databases (rs746105988, gnomAD 0.009%). This variant has not been reported in the literature in individuals affected with BLM-related conditions. Algorithms developed to predict the effect of sequence changes on RNA splicing suggest that this variant may disrupt the consensus splice site. In summary, the available evidence is currently insufficient to determine the role of this variant in disease. Therefore, it has been classified as a Variant of Uncertain Significance.